The following is an entry in ClinVar:

ClinVar aggregate classification (germline): Uncertain significance (1 of 4 stars; one submission).

Allele frequency attached by ClinVar (database versions not stated): gnomAD exomes 0.00001; gnomAD 0.00001.
gnomAD v4.1: 15 of 1,556,838 alleles (0.00096%); highest among the groups gnomAD compares: Admixed American, 0.0039%; no homozygotes.

Submission:

Labcorp Genetics (formerly Invitae), Labcorp
Classification: Uncertain significance. Last evaluated: 2022-03-27. Review status: criteria provided, single submitter. Criteria: Invitae Variant Classification Sherloc (09022015). Collection method: clinical testing. Allele origin: germline.
Comment: This sequence change replaces arginine, which is basic and polar, with glutamine, which is neutral and polar, at codon 492 of the GPR179 protein (p.Arg492Gln). The frequency data for this variant in the population databases is considered unreliable, as metrics indicate poor data quality at this position in the gnomAD database. This variant has not been reported in the literature in individuals affected with GPR179-related conditions. Algorithms developed to predict the effect of missense changes on protein structure and function output the following: SIFT: "Tolerated"; PolyPhen-2: "Benign"; Align-GVGD: "Class C0". The glutamine amino acid residue is found in multiple mammalian species, which suggests that this missense change does not adversely affect protein function. In summary, the available evidence is currently insufficient to determine the role of this variant in disease. Therefore, it has been classified as a Variant of Uncertain Significance.

NM_001004334.4(GPR179):c.1475G>A (p.Arg492Gln)

Gene: GPR179 (G protein-coupled receptor 179; minus strand). Cytogenetic location: 17q12.
Variant type: single nucleotide variant.
Coding change: c.1475G>A on transcript NM_001004334.4 (MANE Select); coding-DNA position 1475, G replaced by A.
Protein change: p.Arg492Gln; replaces arginine 492 with glutamine.
Molecular consequence: missense variant.
Genome position (GRCh38, 1-based): chr17:38,335,203, C>T on the plus strand (G>A on the coding strand, the complement: GPR179 is on the minus strand). VCF-style: chr17-38335203-C-T. GRCh37 (hg19) VCF-style: chr17-36491086-C-T.
Other names: short protein forms R492Q.
Identifiers: ClinVar variation 1420915 (VCV001420915.5), dbSNP rs1334827836, ClinGen allele CA398886779.